The following is an entry in ClinVar:

ClinVar aggregate classification (germline): Uncertain significance (1 of 4 stars; one submission).

Allele frequency attached by ClinVar (database versions not stated): gnomAD exomes below 0.00001.
gnomAD v4.1: 2 of 1,608,692 alleles (0.00012%); highest among the groups gnomAD compares: Non-Finnish European, 0.00017%; no homozygotes.

Submission:

Labcorp Genetics (formerly Invitae), Labcorp
Classification: Uncertain significance. Last evaluated: 2021-08-02. Review status: criteria provided, single submitter. Criteria: Invitae Variant Classification Sherloc (09022015). Collection method: clinical testing. Allele origin: germline.
Comment: In summary, the available evidence is currently insufficient to determine the role of this variant in disease. Therefore, it has been classified as a Variant of Uncertain Significance. Algorithms developed to predict the effect of missense changes on protein structure and function output the following: SIFT: "Tolerated"; PolyPhen-2: "Benign"; Align-GVGD: "Class C0". The isoleucine amino acid residue is found in multiple mammalian species, which suggests that this missense change does not adversely affect protein function. This variant has not been reported in the literature in individuals affected with C5-related conditions. This variant is not present in population databases (ExAC no frequency). This sequence change replaces methionine with isoleucine at codon 754 of the C5 protein (p.Met754Ile). The methionine residue is weakly conserved and there is a small physicochemical difference between methionine and isoleucine.

NM_001735.3(C5):c.2262G>A (p.Met754Ile)

Gene: C5 (complement C5; minus strand). Cytogenetic location: 9q33.2.
Variant type: single nucleotide variant.
Coding change: c.2262G>A on transcript NM_001735.3 (MANE Select); coding-DNA position 2262, G replaced by A.
Protein change: p.Met754Ile; replaces methionine 754 with isoleucine.
Molecular consequence: missense variant.
Genome position (GRCh38, 1-based): chr9:121,008,494, C>T on the plus strand (G>A on the coding strand, the complement: C5 is on the minus strand). VCF-style: chr9-121008494-C-T. GRCh37 (hg19) VCF-style: chr9-123770772-C-T.
Other names: c.2280G>A, p.Met760Ile (NM_001317163.2); c.2262G>A, p.Met754Ile (NM_001317164.2); short protein forms M754I, M760I.
Identifiers: ClinVar variation 1464036 (VCV001464036.6), dbSNP rs1363220540, ClinGen allele CA374742062.
Genomic context (GRCh38, chr9:121,008,494, plus strand): 5'-CAACCAGCTTTCTGGAAAATAACTCCGAATTTCTGGCTTGCTTACTGGTAACAGGGTCTT[C>T]ATGTCTGGACAAAAAAATCATATTCAATTATGGAAAAACAATATAAATTCTACTTATAGG-3'
Protein context (NP_001726.2, residues 744-764): HKDMQLGRLH[Met754Ile]KTLLPVSKPE